The following is an entry in ClinVar:

ClinVar aggregate classification (germline): Uncertain significance. Review status: criteria provided, multiple submitters, no conflicts (2 of 4 stars). 3 submissions from 3 submitters: Uncertain significance (3). Last evaluated 2025-12-15.

Conditions:
Myopathy, proximal, and ophthalmoplegia (CMYO6). Also called: INCLUSION BODY MYOPATHY 3, AUTOSOMAL DOMINANT; MYOPATHY WITH CONGENITAL JOINT CONTRACTURES, OPHTHALMOPLEGIA, AND RIMMED VACUOLES; CONGENITAL MYOPATHY 6 WITH OPHTHALMOPLEGIA. Identifiers: Orphanet 363677, Orphanet 79091, MedGen C1854106, MONDO:0011577, OMIM 605637.
Inborn genetic diseases. Identifiers: MedGen C0950123, MeSH D030342.

Allele frequency attached by ClinVar (database versions not stated): gnomAD exomes 0.00002 and 0.00003; gnomAD 0.00004; ExAC 0.00005; TOPMed 0.00006; 1000 Genomes Project 0.00020; 1000 Genomes Project 30x 0.00031.
gnomAD v4.1: 48 of 1,614,082 alleles (0.003%); highest among the groups gnomAD compares: Admixed American, 0.018%; no homozygotes.

Submissions (3):

Labcorp Genetics (formerly Invitae), Labcorp
Classification: Uncertain significance for Myopathy, proximal, and ophthalmoplegia. Last evaluated: 2025-12-15. Review status: criteria provided, single submitter. Criteria: Invitae Variant Classification Sherloc (09022015). Collection method: clinical testing. Allele origin: germline.
Comment: This sequence change replaces glutamic acid, which is acidic and polar, with glutamine, which is neutral and polar, at codon 1269 of the MYH2 protein (p.Glu1269Gln). This variant is present in population databases (rs201489001, gnomAD 0.01%). This variant has not been reported in the literature in individuals affected with MYH2-related conditions. ClinVar contains an entry for this variant (Variation ID: 1465893). Invitae Evidence Modeling of protein sequence and biophysical properties (such as structural, functional, and spatial information, amino acid conservation, physicochemical variation, residue mobility, and thermodynamic stability) indicates that this missense variant is not expected to disrupt MYH2 protein function with a negative predictive value of 80%. In summary, the available evidence is currently insufficient to determine the role of this variant in disease. Therefore, it has been classified as a Variant of Uncertain Significance.

Ambry Genetics
Classification: Uncertain significance for Inborn genetic diseases. Last evaluated: 2024-08-05. Review status: criteria provided, single submitter. Criteria: Ambry Variant Classification Scheme 2023. Collection method: clinical testing. Allele origin: germline.

Revvity Omics, Revvity
Classification: Uncertain significance for Myopathy, proximal, and ophthalmoplegia. Last evaluated: 2024-03-01. Review status: criteria provided, single submitter. Criteria: ACMG Guidelines, 2015. Collection method: clinical testing. Allele origin: germline.

NM_017534.6(MYH2):c.3805G>C (p.Glu1269Gln)

Genes: MYHAS (myosin heavy chain gene cluster antisense RNA; plus strand), MYH2 (myosin heavy chain 2; minus strand). Cytogenetic location: 17p13.1.
Variant type: single nucleotide variant.
Coding change: c.3805G>C on transcript NM_017534.6 (MANE Select); coding-DNA position 3805, G replaced by C.
Protein change: p.Glu1269Gln; replaces glutamic acid 1269 with glutamine.
Molecular consequence: missense variant.
Genome position (GRCh38, 1-based): chr17:10,527,814, C>G on the plus strand (G>C on the coding strand, the complement: MYH2 is on the minus strand). VCF-style: chr17-10527814-C-G. GRCh37 (hg19) VCF-style: chr17-10431131-C-G.
Other names: c.3805G>C (NM_017534.5); c.3805G>C, p.Glu1269Gln (NM_001100112.2); short protein forms E1269Q.
Identifiers: ClinVar variation 1465893 (VCV001465893.10), dbSNP rs201489001, ClinGen allele CA8390799.